The following is an entry in ClinVar:

NM_000260.4(MYO7A):c.4187A>T (p.Tyr1396Phe)

Gene: MYO7A (myosin VIIA; plus strand). Cytogenetic location: 11q13.5.
Variant type: single nucleotide variant.
Coding change: c.4187A>T on transcript NM_000260.4 (MANE Select); coding-DNA position 4187, A replaced by T.
Protein change: p.Tyr1396Phe; replaces tyrosine 1396 with phenylalanine.
Molecular consequence: missense variant.
Genome position (GRCh38, 1-based): chr11:77,194,388, A>T. VCF-style: chr11-77194388-A-T. GRCh37 (hg19) VCF-style: chr11-76905433-A-T.
Other names: c.4187A>T, p.Tyr1396Phe (NM_001127180.2); c.4154A>T, p.Tyr1385Phe (NM_001369365.1); short protein forms Y1385F, Y1396F.
Identifiers: ClinVar variation 4071563 (VCV004071563.1).
Genomic context (GRCh38, chr11:77,194,388, plus strand): 5'-CATGACCGAGGCCTCCCCCCACCTAGGAGGACGACCTGGCTGAGCTGGCCTCCCAGCAGT[A>T]CTTTGTAGACTATGGCTCTGAGATGATCCTGGAGCGCCTCCTGAACCTCGTGCCCACCTA-3'
Protein context (NP_000251.3, residues 1386-1406): DDLAELASQQ[Tyr1396Phe]FVDYGSEMIL

ClinVar aggregate classification (germline): Uncertain significance (1 of 4 stars; one submission).

gnomAD v4.1: 2 of 1,612,708 alleles (0.00012%); highest among the groups gnomAD compares: Non-Finnish European, 0.00017%; no homozygotes.

Submission:

GeneDx
Classification: Uncertain significance. Last evaluated: 2025-01-27. Review status: criteria provided, single submitter. Criteria: GeneDx Variant Classification Process June 2021. Collection method: clinical testing. Allele origin: germline. Affected: yes.
Comment: Not observed at significant frequency in large population cohorts (gnomAD); In silico analysis supports that this missense variant has a deleterious effect on protein structure/function; Has not been previously published as pathogenic or benign to our knowledge